The following is an entry in ClinVar:

ClinVar aggregate classification (germline): Uncertain significance. Review status: criteria provided, multiple submitters, no conflicts (2 of 4 stars). 3 submissions from 3 submitters: Uncertain significance (3). Last evaluated 2025-03-01.

Conditions:
Muscular dystrophy-dystroglycanopathy (congenital with brain and eye anomalies), type A9. Also called: Muscular dystrophy-dystroglycanopathy (congenital with brain and eye anomalies), type a, 9; WALKER-WARBURG SYNDROME OR MUSCLE-EYE BRAIN DISEASE, DAG1-RELATED. Identifiers: Orphanet 370997, Orphanet 899, MedGen C4225291, MONDO:0014683, OMIM 616538.
Autosomal recessive limb-girdle muscular dystrophy type 2P. Also called: MUSCULAR DYSTROPHY-DYSTROGLYCANOPATHY, LIMB-GIRDLE, DAG1-RELATED; Limb-Girdle Muscular Dystrophy Type 9C; MUSCULAR DYSTROPHY, LIMB-GIRDLE, TYPE 2P. Identifiers: Orphanet 280333, MedGen C4511963, MONDO:0013440, OMIM 613818.
Inborn genetic diseases. Identifiers: MedGen C0950123, MeSH D030342.

Allele frequency attached by ClinVar (database versions not stated): gnomAD exomes 0.00001 and 0.00003; gnomAD 0.00003; TOPMed 0.00003; ExAC 0.00004; ESP Exome Variant Server 0.00008.
gnomAD v4.1: 17 of 1,613,696 alleles (0.0011%); highest among the groups gnomAD compares: African/African-American, 0.0093%; no homozygotes.

Submissions (3):

Ambry Genetics
Classification: Uncertain significance for Inborn genetic diseases. Last evaluated: 2025-03-01. Review status: criteria provided, single submitter. Criteria: Ambry Variant Classification Scheme 2023. Collection method: clinical testing. Allele origin: germline.

Labcorp Genetics (formerly Invitae), Labcorp
Classification: Uncertain significance for Autosomal recessive limb-girdle muscular dystrophy type 2P; Muscular dystrophy-dystroglycanopathy (congenital with brain and eye anomalies), type A9. Last evaluated: 2022-02-08. Review status: criteria provided, single submitter. Criteria: Invitae Variant Classification Sherloc (09022015). Collection method: clinical testing. Allele origin: germline.
Comment: This sequence change replaces arginine, which is basic and polar, with tryptophan, which is neutral and slightly polar, at codon 887 of the DAG1 protein (p.Arg887Trp). In summary, the available evidence is currently insufficient to determine the role of this variant in disease. Therefore, it has been classified as a Variant of Uncertain Significance. Algorithms developed to predict the effect of missense changes on protein structure and function are either unavailable or do not agree on the potential impact of this missense change (SIFT: "Deleterious"; PolyPhen-2: "Not Available"; Align-GVGD: "Class C0"). ClinVar contains an entry for this variant (Variation ID: 597564). This variant has not been reported in the literature in individuals affected with DAG1-related conditions. This variant is present in population databases (rs148461041, gnomAD 0.02%).

Eurofins Ntd Llc (ga)
Classification: Uncertain significance. Last evaluated: 2018-06-13. Review status: criteria provided, single submitter. Criteria: EGL ClinVar v180209 classification definitions. Collection method: clinical testing. Allele origin: germline. Observed: 1 variant allele, 1 heterozygote.

NM_004393.6(DAG1):c.2659C>T (p.Arg887Trp)

Gene: DAG1 (dystroglycan 1; plus strand). Cytogenetic location: 3p21.31.
Variant type: single nucleotide variant.
Coding change: c.2659C>T on transcript NM_004393.6 (MANE Select); coding-DNA position 2659, C replaced by T.
Protein change: p.Arg887Trp; replaces arginine 887 with tryptophan.
Molecular consequence: missense variant.
Genome position (GRCh38, 1-based): chr3:49,533,170, C>T. VCF-style: chr3-49533170-C-T. GRCh37 (hg19) VCF-style: chr3-49570603-C-T.
Other names: c.2659C>T, p.Arg887Trp (NM_001165928.4, NM_001177634.3, NM_001177635.3 and 9 more transcripts); c.2659C>T (NM_004393.4); short protein forms R887W.
Identifiers: ClinVar variation 597564 (VCV000597564.12), dbSNP rs148461041, ClinGen allele CA2399306.